The following is an entry in ClinVar:

ClinVar aggregate classification (germline): Uncertain significance (1 of 4 stars; one submission).

Conditions:
Inborn genetic diseases. Identifiers: MedGen C0950123, MeSH D030342.

gnomAD v4.1: 2 of 1,611,710 alleles (0.00012%); highest among the groups gnomAD compares: Non-Finnish European, 0.00017%; no homozygotes.

Submission:

Ambry Genetics
Classification: Uncertain significance for Inborn genetic diseases. Last evaluated: 2025-08-01. Review status: criteria provided, single submitter. Criteria: Ambry Variant Classification Scheme 2023. Collection method: clinical testing. Allele origin: germline.
Comment: The p.F105L variant (also known as c.313T>C), located in coding exon 3 of the ELANE gene, results from a T to C substitution at nucleotide position 313. The phenylalanine at codon 105 is replaced by leucine, an amino acid with highly similar properties. This amino acid position is conserved. In addition, the in silico prediction for this alteration is inconclusive. Based on the available evidence, the clinical significance of this variant remains unclear.

NM_001972.4(ELANE):c.313T>C (p.Phe105Leu)

Gene: ELANE (elastase, neutrophil expressed; plus strand). Cytogenetic location: 19p13.3.
Variant type: single nucleotide variant.
Coding change: c.313T>C on transcript NM_001972.4 (MANE Select); coding-DNA position 313, T replaced by C.
Protein change: p.Phe105Leu; replaces phenylalanine 105 with leucine.
Molecular consequence: missense variant.
Genome position (GRCh38, 1-based): chr19:853,350, T>C. VCF-style: chr19-853350-T-C. GRCh37 (hg19) VCF-style: chr19-853350-T-C.
Other names: short protein forms F105L.
Identifiers: ClinVar variation 4248073 (VCV004248073.1).
Genomic context (GRCh38, chr19:853,350, plus strand): 5'-GGAGCCCATAACCTCTCGCGGCGGGAGCCCACCCGGCAGGTGTTCGCCGTGCAGCGCATC[T>C]TCGAAAACGGCTACGACCCCGTAAACTTGCTCAACGACATCGTGATTCTCCAGGTGCCGC-3'
Protein context (NP_001963.1, residues 95-115): TRQVFAVQRI[Phe105Leu]ENGYDPVNLL